The following is an entry in ClinVar:

NM_002878.4(RAD51D):c.82+5_82+13delinsT

Genes: RAD51D (RAD51 paralog D; minus strand), RAD51L3-RFFL (RAD51L3-RFFL readthrough; minus strand). Cytogenetic location: 17q12.
Variant type: Indel.
Coding change: c.82+5_82+13delinsT on transcript NM_002878.4 (MANE Select); bases 5 to 13 of the intron after coding-DNA position 82, CCGGGTGTG replaced by T.
Molecular consequence: intron variant.
Genome position (GRCh38, 1-based): chr17:35,119,519-35,119,527, CACACCCGG replaced by A on the plus strand (CCGGGTGTG replaced by T on the coding strand, the reverse complement: RAD51D is on the minus strand). VCF-style: chr17-35119519-CACACCCGG-A. GRCh37 (hg19) VCF-style: chr17-33446538-CACACCCGG-A.
Other names: c.82+5_82+13delCCGGGTGTGinsT (NM_002878.3); c.82+5_82+13delinsT (NM_133629.3, NM_001142571.2).
Identifiers: ClinVar variation 921586 (VCV000921586.9), dbSNP rs2091796708, ClinGen allele CA913188844.

ClinVar aggregate classification (germline): Conflicting classifications of pathogenicity. Review status: criteria provided, conflicting classifications (1 of 4 stars). 4 submissions from 4 submitters: Uncertain significance (2); Likely benign (2). Last evaluated 2026-02-16.

Conditions:
Breast-ovarian cancer, familial, susceptibility to, 4. Identifiers: Orphanet 145, MedGen C3280345, MONDO:0013669, OMIM 614291.
Hereditary cancer-predisposing syndrome. Also called: Tumor predisposition; Hereditary neoplastic syndrome; Hereditary Cancer Syndrome; Neoplastic Syndromes, Hereditary. Identifiers: Orphanet 140162, MedGen C0027672, MeSH D009386, MONDO:0015356.

Submissions (4):

Ambry Genetics
Classification: Likely benign for Hereditary cancer-predisposing syndrome. Last evaluated: 2026-02-16. Review status: criteria provided, single submitter. Criteria: Ambry Variant Classification Scheme 2023. Collection method: clinical testing. Allele origin: germline.

Labcorp Genetics (formerly Invitae), Labcorp
Classification: Likely benign for Breast-ovarian cancer, familial, susceptibility to, 4. Last evaluated: 2021-02-26. Review status: criteria provided, single submitter. Criteria: Invitae Variant Classification Sherloc (09022015). Collection method: clinical testing. Allele origin: germline.

Color Diagnostics, LLC DBA Color Health
Classification: Uncertain significance for Hereditary cancer-predisposing syndrome. Last evaluated: 2020-02-21. Review status: criteria provided, single submitter. Criteria: ACMG Guidelines, 2015. Collection method: clinical testing. Allele origin: germline.
Comment: This variant causes a deletion of 8 nucleotides from intron 1 splice donor site of the RAD51D gene. To our knowledge, functional studies have not been reported for this variant. This variant has not been reported in individuals affected with hereditary cancer in the literature. This variant has not been identified in the general population by the Genome Aggregation Database (gnomAD). The available evidence is insufficient to determine the role of this variant in disease conclusively. Therefore, this variant is classified as a Variant of Uncertain Significance.

Women's Health and Genetics/Laboratory Corporation of America, LabCorp
Classification: Uncertain significance. Last evaluated: 2019-02-20. Review status: criteria provided, single submitter. Criteria: LabCorp Variant Classification Summary - May 2015. Collection method: clinical testing. Allele origin: germline.
Comment: Variant summary: RAD51D c.82+5_82+13delinsT alters a nucleotide located close to a canonical splice site and therefore could affect mRNA splicing, leading to a significantly altered protein sequence. Several computational tools predict a significant impact on normal splicing: Four predict the variant abolishes a cryptic 5 donor site. However, these predictions have yet to be confirmed by functional studies. The variant was absent in 240122 control chromosomes (gnomAD). The available data on variant occurrences in the general population are insufficient to allow any conclusion about variant significance. To our knowledge, no occurrence of c.82+5_82+13delinsT in individuals affected with Hereditary Breast and Ovarian Cancer and no experimental evidence demonstrating its impact on protein function have been reported. Co-occurrences with other pathogenic variant(s) have been reported (BRCA2 c.4037_4038delCT, p.Thr1346fsX5), providing supporting evidence for a benign role. No clinical diagnostic laboratories have submitted clinical-significance assessments for this variant to ClinVar after 2014. Based on the evidence outlined above, the variant was classified as uncertain significance.